The following is an entry in ClinVar:

NM_020778.5(ALPK3):c.4290C>G (p.Tyr1430Ter)

Gene: ALPK3 (alpha kinase 3; plus strand). Cytogenetic location: 15q25.3.
Variant type: single nucleotide variant.
Coding change: c.4290C>G on transcript NM_020778.5 (MANE Select); coding-DNA position 4290, C replaced by G.
Protein change: p.Tyr1430Ter; replaces tyrosine 1430 with a stop codon.
Molecular consequence: nonsense.
Genome position (GRCh38, 1-based): chr15:84,862,795, C>G. VCF-style: chr15-84862795-C-G. GRCh37 (hg19) VCF-style: chr15-85406026-C-G.
Other names: c.4896C>G (NM_020778.4); short protein forms Y1430*.
Identifiers: ClinVar variation 1953459 (VCV001953459.9), dbSNP rs755476608, ClinGen allele CA7709915.
Genomic context (GRCh38, chr15:84,862,795, plus strand): 5'-GCTCCGAGGGGGTGGATATGGGTGTGGCCTTCGGAAGGCCTCCCAGGCCAAGGTCATCTA[C>G]GGGCTGGAACCCATCTTCGAGTCGGGCCGCACGTGCATCATCAAGGTGTCCAGCCTGCTT-3'

ClinVar aggregate classification (germline): Pathogenic. Review status: criteria provided, multiple submitters, no conflicts (2 of 4 stars). 4 submissions from 4 submitters: Pathogenic (4). Last evaluated 2026-02-03.

Conditions:
Cardiomyopathy, familial hypertrophic 27. Identifiers: MedGen C4748014, MONDO:0054838, OMIM 618052.
Cardiovascular phenotype. Identifiers: MedGen CN230736.

Submissions (4):

GeneDx
Classification: Pathogenic. Last evaluated: 2026-02-03. Review status: criteria provided, single submitter. Criteria: GeneDx Variant Classification Process June 2021. Collection method: clinical testing. Allele origin: germline.
Comment: Reported previously in an individual from a cohort of patients with hypertrophic cardiomyopathy; however, detailed clinical information and segregation was not provided (PMID: 40128237); Nonsense variant predicted to result in protein truncation or nonsense mediated decay in a gene for which loss of function is a known mechanism of disease; Not observed at significant frequency in large population cohorts (gnomAD); This variant is associated with the following publications: (PMID: 37477868, 40128237)

Ambry Genetics
Classification: Pathogenic for Cardiovascular phenotype. Last evaluated: 2026-01-05. Review status: criteria provided, single submitter. Criteria: Ambry Variant Classification Scheme 2023. Collection method: clinical testing. Allele origin: germline.
Comment: The p.Y1632* pathogenic mutation (also known as c.4896C>G), located in coding exon 10 of the ALPK3 gene, results from a C to G substitution at nucleotide position 4896. This changes the amino acid from a tyrosine to a stop codon within coding exon 10. This alteration is expected to result in loss of function by premature protein truncation or nonsense-mediated mRNA decay. As such, this alteration is interpreted as a disease-causing mutation.

Labcorp Genetics (formerly Invitae), Labcorp
Classification: Pathogenic. Last evaluated: 2025-09-04. Review status: criteria provided, single submitter. Criteria: Invitae Variant Classification Sherloc (09022015). Collection method: clinical testing. Allele origin: germline.
Comment: This sequence change creates a premature translational stop signal (p.Tyr1632*) in the ALPK3 gene. It is expected to result in an absent or disrupted protein product. Loss-of-function variants in ALPK3 are known to be pathogenic (PMID: 21441111, 26846950, 27106955, 34263907). This variant is present in population databases (rs755476608, gnomAD 0.004%). This variant has not been reported in the literature in individuals affected with ALPK3-related conditions. ClinVar contains an entry for this variant (Variation ID: 1953459). Algorithms developed to predict the effect of sequence changes on RNA splicing suggest that this variant may create or strengthen a splice site. For these reasons, this variant has been classified as Pathogenic.

Victorian Clinical Genetics Services, Murdoch Childrens Research Institute
Classification: Pathogenic for Cardiomyopathy, familial hypertrophic 27. Last evaluated: 2025-07-14. Review status: criteria provided, single submitter. Criteria: ACMG Guidelines, 2015. Collection method: clinical testing. Allele origin: germline.
Comment: This variant is classified as Pathogenic. Evidence in support of pathogenic classification: Variant is predicted to cause nonsense-mediated decay (NMD) and loss of protein (premature termination codon is located at least 54 nucleotides upstream of the final exon-exon junction); Variant is present in gnomAD <0.01 (v4: 34 heterozygote(s), 0 homozygote(s)); This variant has moderate previous evidence of pathogenicity in unrelated individuals. This variant has been classified as pathogenic by one clinical laboratory in Clinvar and reported in the literature in individuals affected with cardiomyopathy (Clinvar, PMID: 37477868, 40128237); Other premature termination variants comparable to the one identified in this case have very strong previous evidence for pathogenicity. Many NMD-predicted variants in this gene have been reported as likely pathogenic/pathogenic (ClinVar). Monoallelic NMD-predicted ALPK3 variants have also been reported in adults with hypertrophic cardiomyopathy with age-dependent penetrance (PMIDs: 32480058, 34263907, 38356193). Additional information: This variant is heterozygous; This gene is associated with both recessive and dominant disease (PMIDs: 32480058, 34263907, 38356193); No published evidence of segregation with disease has been identified for this variant; No published functional evidence has been identified for this variant; Loss of function is a known mechanism of disease in this gene and is associated with familial hypertrophic cardiomyopathy 27 (MIM#618052); The condition associated with this gene has incomplete penetrance. Age-dependent penetrance has been observed in the autosomal dominant condition (PMIDs: 32480058, 34263907, 38356193).

Literature cited by the submitters: PubMed 37477868 (cited by Ambry Genetics and Victorian Clinical Genetics Services, Murdoch Childrens Research Institute); PubMed 21441111 (cited by Labcorp Genetics (formerly Invitae), Labcorp); PubMed 26846950 (cited by Labcorp Genetics (formerly Invitae), Labcorp); PubMed 27106955 (cited by Labcorp Genetics (formerly Invitae), Labcorp); PubMed 34263907 (cited by Labcorp Genetics (formerly Invitae), Labcorp and Victorian Clinical Genetics Services, Murdoch Childrens Research Institute); PubMed 32480058 (cited by Victorian Clinical Genetics Services, Murdoch Childrens Research Institute); PubMed 40128237 (cited by Victorian Clinical Genetics Services, Murdoch Childrens Research Institute); PubMed 38356193 (cited by Victorian Clinical Genetics Services, Murdoch Childrens Research Institute).